The following is an entry in ClinVar:

ClinVar aggregate classification (germline): Uncertain significance (1 of 4 stars; one submission).

Submission:

GeneDx
Classification: Uncertain significance. Last evaluated: 2022-09-09. Review status: criteria provided, single submitter. Criteria: GeneDx Variant Classification Process June 2021. Collection method: clinical testing. Allele origin: germline. Affected: yes.
Comment: Not observed at significant frequency in large population cohorts (gnomAD); In silico analysis supports that this missense variant has a deleterious effect on protein structure/function; Has not been previously published as pathogenic or benign to our knowledge

NM_001318852.2(MAPK8IP3):c.2991C>G (p.Ile997Met)

Gene: MAPK8IP3 (mitogen-activated protein kinase 8 interacting protein 3; plus strand). Cytogenetic location: 16p13.3.
Variant type: single nucleotide variant.
Coding change: c.2991C>G on transcript NM_001318852.2 (MANE Select); coding-DNA position 2991, C replaced by G.
Protein change: p.Ile997Met; replaces isoleucine 997 with methionine.
Molecular consequence: missense variant.
Genome position (GRCh38, 1-based): chr16:1,766,774, C>G. VCF-style: chr16-1766774-C-G. GRCh37 (hg19) VCF-style: chr16-1816775-C-G.
Other names: c.2970C>G, p.Ile990Met (NM_001040439.2); c.2988C>G, p.Ile996Met (NM_015133.5, NM_033392.3); short protein forms I990M, I996M, I997M.
Identifiers: ClinVar variation 2443548 (VCV002443548.1), dbSNP rs1165341652, ClinGen allele CA394236968.